The following is an entry in ClinVar:

ClinVar aggregate classification (germline): Pathogenic/Likely pathogenic. Review status: criteria provided, multiple submitters, no conflicts (2 of 4 stars). 4 submissions from 4 submitters: Pathogenic (1); Likely pathogenic (3). Last evaluated 2026-03-24.

Conditions:
Hereditary hyperinsulinism.

Submissions (4):

GeneDx
Classification: Likely pathogenic. Last evaluated: 2026-03-24. Review status: criteria provided, single submitter. Criteria: GeneDx Variant Classification Process June 2021. Collection method: clinical testing. Allele origin: germline.
Comment: Observed in a patient diagnosed with diffuse congenital hyperinsulinism in published literature; variant inherited from unaffected father, and authors conclude the variant is likely recessive and the patient likely had misdiagnosed focal hyperinsulinism, rather than diffuse (PMID: 24814349); Observed in the heterozygous state and with a second ABCC8 variant in individuals affected with hyperinsulinism; in one patient, the variant inherited from mother affected with diffuse hyperinsulinism (PMID: 24401662, 30193751, 34304300, 36504295); Not observed at significant frequency in large population cohorts (gnomAD); In silico analysis supports that this missense variant has a deleterious effect on protein structure/function; Also known as c.4135G>A p.G1379S; This variant is associated with the following publications: (PMID: : 36504295, 30193751, 34304300, 24814349, 24401662)

Natera, Inc.
Classification: Likely pathogenic for Hereditary hyperinsulinism. Last evaluated: 2025-04-22. Review status: criteria provided, single submitter. Criteria: Natera Variant Classification Schema (03/2026). Collection method: clinical testing. Allele origin: germline.
Comment: The c.4132G>A variant in ABCC8 is a missense variant predicted to cause substitution of glycine to serine at amino acid 1378. This variant is rare in the general population with a frequency below the threshold expected for the associated phenotype(s). This variant has been observed in affected individual(s) with monoallelic occurrence (heterozygous/hemizygous) (PMID: 24814349, 24401662). Functional studies show that this variant may disrupt protein function (PMID: 24814349). Computational prediction algorithms indicate this variant is likely to affect gene or protein function. Given the available evidence, this variant is classified as Likely Pathogenic.

Labcorp Genetics (formerly Invitae), Labcorp
Classification: Likely pathogenic. Last evaluated: 2023-10-14. Review status: criteria provided, single submitter. Criteria: Invitae Variant Classification Sherloc (09022015). Collection method: clinical testing. Allele origin: germline.
Comment: This sequence change replaces glycine, which is neutral and non-polar, with serine, which is neutral and polar, at codon 1378 of the ABCC8 protein (p.Gly1378Ser). This variant is not present in population databases (gnomAD no frequency). This missense change has been observed in individual(s) with clinical features of autosomal recessive congenital hyperinsulinism (CHI) (PMID: 34304300). This variant has been reported in individual(s) with autosomal dominant ABCC8-related conditions (PMID: 24401662, 24814349, 36504295); however, the role of the variant in this condition is currently unclear. This variant is also known as c.4135G>A (p.Gly1379Ser). ClinVar contains an entry for this variant (Variation ID: 1338261). Advanced modeling of protein sequence and biophysical properties (such as structural, functional, and spatial information, amino acid conservation, physicochemical variation, residue mobility, and thermodynamic stability) performed at Invitae indicates that this missense variant is expected to disrupt ABCC8 protein function. Experimental studies have shown that this missense change affects ABCC8 function (PMID: 24814349). This variant disrupts the p.Gly1378 amino acid residue in ABCC8. Other variant(s) that disrupt this residue have been determined to be pathogenic (PMID: 16357843, 23275527). This suggests that this residue is clinically significant, and that variants that disrupt this residue are likely to be disease-causing. In summary, the currently available evidence indicates that the variant is pathogenic, but additional data are needed to prove that conclusively. Therefore, this variant has been classified as Likely Pathogenic.

Genetic Services Laboratory, University of Chicago
Classification: Pathogenic. Last evaluated: 2017-08-03. Review status: criteria provided, single submitter. Criteria: ACMG Guidelines, 2015. Collection method: clinical testing. Allele origin: germline. Affected: yes.

Literature cited by the submitters: PubMed 24814349 (cited by Natera, Inc. and Labcorp Genetics (formerly Invitae), Labcorp); PubMed 24401662 (cited by Natera, Inc. and Labcorp Genetics (formerly Invitae), Labcorp); PubMed 34304300 (cited by Labcorp Genetics (formerly Invitae), Labcorp); PubMed 36504295 (cited by Labcorp Genetics (formerly Invitae), Labcorp); PubMed 16357843 (cited by Labcorp Genetics (formerly Invitae), Labcorp); PubMed 23275527 (cited by Labcorp Genetics (formerly Invitae), Labcorp).

NM_000352.6(ABCC8):c.4132G>A (p.Gly1378Ser)

Gene: ABCC8 (ATP binding cassette subfamily C member 8; minus strand). Cytogenetic location: 11p15.1.
Variant type: single nucleotide variant.
Coding change: c.4132G>A on transcript NM_000352.6 (MANE Select); coding-DNA position 4132, G replaced by A.
Protein change: p.Gly1378Ser; replaces glycine 1378 with serine.
Molecular consequence: missense variant. On other transcripts: non-coding transcript variant (1).
Genome position (GRCh38, 1-based): chr11:17,395,918, C>T on the plus strand (G>A on the coding strand, the complement: ABCC8 is on the minus strand). VCF-style: chr11-17395918-C-T. GRCh37 (hg19) VCF-style: chr11-17417465-C-T.
Other names: c.4132G>A (NM_000352.3); c.4135G>A, p.Gly1379Ser (NM_001287174.3); c.4198G>A, p.Gly1400Ser (NM_001351295.2); c.4132G>A, p.Gly1378Ser (NM_001351296.2); c.4129G>A, p.Gly1377Ser (NM_001351297.2); short protein forms G1377S, G1378S, G1379S, G1400S.
Identifiers: ClinVar variation 1338261 (VCV001338261.12), dbSNP rs925231098, ClinGen allele CA218408260.